The following is an entry in ClinVar:

ClinVar aggregate classification (germline): Pathogenic (1 of 4 stars; one submission).

Submission:

Labcorp Genetics (formerly Invitae), Labcorp
Classification: Pathogenic. Last evaluated: 2025-01-23. Review status: criteria provided, single submitter. Criteria: Invitae Variant Classification Sherloc (09022015). Collection method: clinical testing. Allele origin: germline.
Comment: This sequence change creates a premature translational stop signal (p.Glu588Glyfs*3) in the TCF12 gene. It is expected to result in an absent or disrupted protein product. Loss-of-function variants in TCF12 are known to be pathogenic (PMID: 23354436, 32620954). This variant is not present in population databases (gnomAD no frequency). This variant has not been reported in the literature in individuals affected with TCF12-related conditions. For these reasons, this variant has been classified as Pathogenic.

Literature cited by the submitters: PubMed 23354436; PubMed 32620954.

NM_207037.2(TCF12):c.1763del (p.Glu588fs)

Gene: TCF12 (transcription factor 12; plus strand). Cytogenetic location: 15q21.3.
Variant type: Deletion.
Coding change: c.1763del on transcript NM_207037.2 (MANE Select); coding-DNA position 1763, one base deleted (A; older notation c.1763delA).
Protein change: p.Glu588fs; shifts the reading frame from glutamic acid 588.
Molecular consequence: frameshift variant.
Genome position (GRCh38, 1-based): chr15:57,273,047, A deleted. VCF-style (leftmost placement, unchanged base first): chr15-57273046-GA-G. GRCh37 (hg19) VCF-style: chr15-57565244-GA-G.
Other names: c.1253del, p.Glu418fs (NM_001306219.3); c.983del, p.Glu328fs (NM_001306220.3); c.1763del, p.Glu588fs (NM_001322151.2, NM_001322159.3, NM_001322162.2 and 1 more transcripts); c.1760del, p.Glu587fs (NM_001322152.2, NM_001322161.2); c.1106del, p.Glu369fs (NM_001322154.2); c.1589del, p.Glu530fs (NM_001322156.2); c.1691del, p.Glu564fs (NM_001322157.3, NM_001322165.2, NM_003205.4 and 1 more transcripts); c.1517del, p.Glu506fs (NM_001322158.2); and 2 more; short protein forms E328fs, E506fs, E530fs, E587fs, E588fs, E394fs, E564fs, E369fs.
Identifiers: ClinVar variation 3729456 (VCV003729456.2).